The following is an entry in ClinVar:

NM_016151.4(TAOK2):c.2581A>G (p.Ile861Val)

Gene: TAOK2 (TAO kinase 2; plus strand). Cytogenetic location: 16p11.2.
Variant type: single nucleotide variant.
Coding change: c.2581A>G on transcript NM_016151.4 (MANE Select); coding-DNA position 2581, A replaced by G.
Protein change: p.Ile861Val; replaces isoleucine 861 with valine.
Molecular consequence: missense variant. On other transcripts: intron variant (1).
Genome position (GRCh38, 1-based): chr16:29,986,853, A>G. VCF-style: chr16-29986853-A-G. GRCh37 (hg19) VCF-style: chr16-29998174-A-G.
Other names: c.2242A>G, p.Ile748Val (NM_001252043.2); c.2232+349A>G (NM_004783.4); short protein forms I861V, I748V.
Identifiers: ClinVar variation 1387922 (VCV001387922.8), dbSNP rs2150904184, ClinGen allele CA395492910.
Genomic context (GRCh38, chr16:29,986,853, plus strand): 5'-GGTCTGCCTGAGGAGATAGAGGAGCTTAGGGTGCCCTCCCTTGTACCCCAGGAGAGGAGC[A>G]TTGTTGGCCAGGAGGAGGCTGGGACATGGAGCTTGTGGGGGAAGGAGGATGAGAGTCTTC-3'
Protein context (NP_057235.2, residues 851-871): VPSLVPQERS[Ile861Val]VGQEEAGTWS

ClinVar aggregate classification (germline): Uncertain significance (1 of 4 stars; one submission).

Submission:

Labcorp Genetics (formerly Invitae), Labcorp
Classification: Uncertain significance. Last evaluated: 2021-04-15. Review status: criteria provided, single submitter. Criteria: Invitae Variant Classification Sherloc (09022015). Collection method: clinical testing. Allele origin: germline.
Comment: In summary, the available evidence is currently insufficient to determine the role of this variant in disease. Therefore, it has been classified as a Variant of Uncertain Significance. Algorithms developed to predict the effect of missense changes on protein structure and function output the following: SIFT: "Deleterious"; PolyPhen-2: "Benign"; Align-GVGD: "Class C0". The valine amino acid residue is found in multiple mammalian species, suggesting that this missense change does not adversely affect protein function. These predictions have not been confirmed by published functional studies and their clinical significance is uncertain. This variant has not been reported in the literature in individuals with TAOK2-related conditions. This variant is not present in population databases (ExAC no frequency). This sequence change replaces isoleucine with valine at codon 861 of the TAOK2 protein (p.Ile861Val). The isoleucine residue is weakly conserved and there is a small physicochemical difference between isoleucine and valine.